The following is an entry in ClinVar:

ClinVar aggregate classification (germline): Likely benign. Review status: criteria provided, single submitter (1 of 4 stars). 2 submissions from 2 submitters: Likely benign (1). 1 of the submissions does not count toward it. Last evaluated 2021-03-24.

Conditions:
EP300-related disorder. Also called: EP300-related disorders; EP300-related condition.

Allele frequency attached by ClinVar (database versions not stated): ExAC 0.00001; gnomAD 0.00001; gnomAD exomes 0.00001; TOPMed 0.00003.
gnomAD v4.1: 8 of 1,613,892 alleles (0.0005%); highest among the groups gnomAD compares: Middle Eastern, 0.016%; no homozygotes.

Submissions (2):

GeneDx
Classification: Likely benign. Last evaluated: 2021-03-24. Review status: criteria provided, single submitter. Criteria: GeneDx Variant Classification Process June 2021. Collection method: clinical testing. Allele origin: germline. Affected: yes.
Comment: In silico analysis supports that this missense variant does not alter protein structure/function; Has not been previously published as pathogenic or benign to our knowledge

PreventionGenetics, part of Exact Sciences
Classification: Uncertain significance for EP300-related condition. Last evaluated: 2024-06-26. Review status: no assertion criteria provided. Collection method: clinical testing. Allele origin: germline. Not counted in ClinVar's aggregate classification.
Comment: The EP300 c.6281A>G variant is predicted to result in the amino acid substitution p.Asn2094Ser. To our knowledge, this variant has not been reported in the literature. This variant is reported in 0.00088% of alleles in individuals of European (Non-Finnish) descent in gnomAD. At this time, the clinical significance of this variant is uncertain due to the absence of conclusive functional and genetic evidence.

NM_001429.4(EP300):c.6281A>G (p.Asn2094Ser)

Gene: EP300 (E1A binding protein p300; plus strand). Cytogenetic location: 22q13.2.
Variant type: single nucleotide variant.
Coding change: c.6281A>G on transcript NM_001429.4 (MANE Select); coding-DNA position 6281, A replaced by G.
Protein change: p.Asn2094Ser; replaces asparagine 2094 with serine.
Molecular consequence: missense variant.
Genome position (GRCh38, 1-based): chr22:41,177,992, A>G. VCF-style: chr22-41177992-A-G. GRCh37 (hg19) VCF-style: chr22-41573996-A-G.
Other names: c.6203A>G, p.Asn2068Ser (NM_001362843.2); short protein forms N2068S, N2094S.
Identifiers: ClinVar variation 1254570 (VCV001254570.3), dbSNP rs757490161, ClinGen allele CA10253812.
Genomic context (GRCh38, chr22:41,177,992, plus strand): 5'-TTCACGCCAACCCCCAGCTGTTGGCTGCATTCATCAAGCAGCGGGCTGCCAAGTATGCCA[A>G]CTCTAATCCACAACCCATCCCTGGGCAGCCTGGCATGCCCCAGGGGCAGCCAGGGCTACA-3'
Protein context (NP_001420.2, residues 2084-2104): FIKQRAAKYA[Asn2094Ser]SNPQPIPGQP